The following is an entry in ClinVar:

NM_001039591.3(USP9X):c.3823A>C (p.Asn1275His)

Gene: USP9X (ubiquitin specific peptidase 9 X-linked; plus strand). Cytogenetic location: Xp11.4.
Variant type: single nucleotide variant.
Coding change: c.3823A>C on transcript NM_001039591.3 (MANE Select); coding-DNA position 3823, A replaced by C.
Protein change: p.Asn1275His; replaces asparagine 1275 with histidine.
Molecular consequence: missense variant.
Genome position (GRCh38, 1-based): chrX:41,189,321, A>C. VCF-style: chrX-41189321-A-C. GRCh37 (hg19) VCF-style: chrX-41048574-A-C.
Other names: c.3823A>C, p.Asn1275His (NM_001039590.3); c.3838A>C, p.Asn1280His (NM_001410748.1, NM_001410749.1, NM_001437534.1); short protein forms N1275H, N1280H.
Identifiers: ClinVar variation 4527717 (VCV004527717.1).

ClinVar aggregate classification (germline): Uncertain significance (1 of 4 stars; one submission).

Submission:

GeneDx
Classification: Uncertain significance. Last evaluated: 2025-05-07. Review status: criteria provided, single submitter. Criteria: GeneDx Variant Classification Process June 2021. Collection method: clinical testing. Allele origin: germline. Affected: yes.
Comment: Not observed at significant frequency in large population cohorts (gnomAD); In silico analysis suggests that this missense variant does not alter protein structure/function; Has not been previously published as pathogenic or benign to our knowledge